The following is an entry in ClinVar:

ClinVar aggregate classification (germline): Uncertain significance (1 of 4 stars; one submission).

Submission:

Ambry Genetics
Classification: Uncertain significance. Last evaluated: 2023-09-28. Review status: criteria provided, single submitter. Criteria: Ambry Variant Classification Scheme 2023. Collection method: clinical testing. Allele origin: germline.
Comment: The p.P79Q variant (also known as c.236C>A), located in coding exon 1 of the EGLN1 gene, results from a C to A substitution at nucleotide position 236. The proline at codon 79 is replaced by glutamine, an amino acid with similar properties. This amino acid position is conserved. In addition, this alteration is predicted to be tolerated by in silico analysis. Since supporting evidence is limited at this time, the clinical significance of this alteration remains unclear.

NM_022051.3(EGLN1):c.236C>A (p.Pro79Gln)

Gene: EGLN1 (egl-9 family hypoxia inducible factor 1; minus strand). Cytogenetic location: 1q42.2.
Variant type: single nucleotide variant.
Coding change: c.236C>A on transcript NM_022051.3 (MANE Select); coding-DNA position 236, C replaced by A.
Protein change: p.Pro79Gln; replaces proline 79 with glutamine.
Molecular consequence: missense variant.
Genome position (GRCh38, 1-based): chr1:231,421,653, G>T on the plus strand (C>A on the coding strand, the complement: EGLN1 is on the minus strand). VCF-style: chr1-231421653-G-T. GRCh37 (hg19) VCF-style: chr1-231557399-G-T.
Other names: c.236C>A, p.Pro79Gln (NM_001377260.1, NM_001377261.1); short protein forms P79Q.
Identifiers: ClinVar variation 3227700 (VCV003227700.1), dbSNP rs1656619438, ClinGen allele CA345238374.
Genomic context (GRCh38, chr1:231,421,653, plus strand): 5'-CGCGCCGCTGCCTTCCTGGGCTCCCGGGCCCCGGCCCTGGGCGGCGGCACTGCAGCCGGC[G>T]GCGCGGGGCCGGAATGCTGGTGTGGGCCCACTCCGTGGCCGAGGGCGCCCTCGCTGCCCT-3'
Protein context (NP_071334.1, residues 69-89): VGPHQHSGPA[Pro79Gln]PAAVPPPRAG